The following is an entry in ClinVar:

ClinVar aggregate classification (germline): Uncertain significance. Review status: criteria provided, multiple submitters, no conflicts (2 of 4 stars). 2 submissions from 2 submitters: Uncertain significance (2). Last evaluated 2023-12-30.

Conditions:
Aicardi-Goutieres syndrome 7 (AGS7). Identifiers: Orphanet 51, MedGen C3888244, MONDO:0014367, OMIM 615846.
Singleton-Merten syndrome 1 (SGMRT1). Also called: Widened medullary cavities of bone, aortic calcification, abnormal dentition, and muscular weakness; Syndrome of widened medullary cavities of the metacarpals and phalanges, aortic calcification and abnormal dentition. Identifiers: Orphanet 85191, MedGen C4225427, MONDO:0024535, OMIM 182250.

Allele frequency attached by ClinVar (database versions not stated): gnomAD exomes below 0.00001; TOPMed below 0.00001; gnomAD 0.00001.
gnomAD v4.1: 5 of 1,613,912 alleles (0.00031%); highest among the groups gnomAD compares: African/African-American, 0.0053%; no homozygotes.

Submissions (2):

Labcorp Genetics (formerly Invitae), Labcorp
Classification: Uncertain significance for Aicardi-Goutieres syndrome 7; Singleton-Merten syndrome 1. Last evaluated: 2023-12-30. Review status: criteria provided, single submitter. Criteria: Invitae Variant Classification Sherloc (09022015). Collection method: clinical testing. Allele origin: germline.
Comment: This sequence change replaces isoleucine, which is neutral and non-polar, with valine, which is neutral and non-polar, at codon 738 of the IFIH1 protein (p.Ile738Val). This variant is present in population databases (no rsID available, gnomAD 0.007%). This variant has not been reported in the literature in individuals affected with IFIH1-related conditions. Advanced modeling of protein sequence and biophysical properties (such as structural, functional, and spatial information, amino acid conservation, physicochemical variation, residue mobility, and thermodynamic stability) has been performed at Invitae for this missense variant, however the output from this modeling did not meet the statistical confidence thresholds required to predict the impact of this variant on IFIH1 protein function. In summary, the available evidence is currently insufficient to determine the role of this variant in disease. Therefore, it has been classified as a Variant of Uncertain Significance.

GeneDx
Classification: Uncertain significance. Last evaluated: 2023-11-29. Review status: criteria provided, single submitter. Criteria: GeneDx Variant Classification Process June 2021. Collection method: clinical testing. Allele origin: germline. Affected: yes.
Comment: Not observed at significant frequency in large population cohorts (Database of Genomic Variants); In silico analysis supports that this missense variant does not alter protein structure/function; Has not been previously published as pathogenic or benign to our knowledge

NM_022168.4(IFIH1):c.2212A>G (p.Ile738Val)

Gene: IFIH1 (interferon induced with helicase C domain 1; minus strand). Cytogenetic location: 2q24.2.
Variant type: single nucleotide variant.
Coding change: c.2212A>G on transcript NM_022168.4 (MANE Select); coding-DNA position 2212, A replaced by G.
Protein change: p.Ile738Val; replaces isoleucine 738 with valine.
Molecular consequence: missense variant.
Genome position (GRCh38, 1-based): chr2:162,276,779, T>C on the plus strand (A>G on the coding strand, the complement: IFIH1 is on the minus strand). VCF-style: chr2-162276779-T-C. GRCh37 (hg19) VCF-style: chr2-163133289-T-C.
Other names: c.2212A>G (NM_022168.3); short protein forms I738V.
Identifiers: ClinVar variation 2933994 (VCV002933994.4), dbSNP rs1283129508, ClinGen allele CA348996773.